The following is an entry in ClinVar:

NM_001375405.1(CEP120):c.2013+1G>A

Gene: CEP120 (centrosomal protein 120; minus strand). Cytogenetic location: 5q23.2.
Variant type: single nucleotide variant.
Coding change: c.2013+1G>A on transcript NM_001375405.1 (MANE Select); the canonical splice donor site of the intron after coding-DNA position 2013, G replaced by A.
Molecular consequence: splice donor variant.
Genome position (GRCh38, 1-based): chr5:123,382,736, C>T on the plus strand (G>A on the coding strand, the complement: CEP120 is on the minus strand). VCF-style: chr5-123382736-C-T. GRCh37 (hg19) VCF-style: chr5-122718430-C-T.
Other names: c.1935+1G>A (NM_001166226.2); c.2013+1G>A (NM_153223.4, NM_001375407.1); c.1440+1G>A (NM_001375408.1, NM_001375409.1); c.1878+1G>A (NM_001375406.1).
Identifiers: ClinVar variation 2960162 (VCV002960162.4), dbSNP rs2479303124, ClinGen allele CA360900267.

ClinVar aggregate classification (germline): Conflicting classifications of pathogenicity. Review status: criteria provided, conflicting classifications (1 of 4 stars). 2 submissions from 2 submitters: Likely pathogenic (1); Uncertain significance (1). Last evaluated 2023-02-14.

Conditions:
Short-rib thoracic dysplasia 13 with or without polydactyly (SRTD13). Identifiers: Orphanet 474, MedGen C4225378, MONDO:0014577, OMIM 616300.

Submissions (2):

Labcorp Genetics (formerly Invitae), Labcorp
Classification: Likely pathogenic for Short-rib thoracic dysplasia 13 with or without polydactyly. Last evaluated: 2023-02-14. Review status: criteria provided, single submitter. Criteria: Invitae Variant Classification Sherloc (09022015). Collection method: clinical testing. Allele origin: germline.
Comment: This sequence change affects a donor splice site in intron 14 of the CEP120 gene. It is expected to disrupt RNA splicing. Variants that disrupt the donor or acceptor splice site typically lead to a loss of protein function (PMID: 16199547), and loss-of-function variants in CEP120 are known to be pathogenic (PMID: 25251415, 27208211). This variant is not present in population databases (gnomAD no frequency). This variant has not been reported in the literature in individuals affected with CEP120-related conditions. Algorithms developed to predict the effect of sequence changes on RNA splicing suggest that this variant may disrupt the consensus splice site. In summary, the currently available evidence indicates that the variant is pathogenic, but additional data are needed to prove that conclusively. Therefore, this variant has been classified as Likely Pathogenic.

Blueprint Genetics
Classification: Uncertain significance. Last evaluated: 2019-09-15. Review status: criteria provided, single submitter. Criteria: ACMG Guidelines, 2015. Collection method: clinical testing. Allele origin: germline.

Literature cited by the submitters: PubMed 16199547 (cited by Labcorp Genetics (formerly Invitae), Labcorp); PubMed 25251415 (cited by Labcorp Genetics (formerly Invitae), Labcorp); PubMed 27208211 (cited by Labcorp Genetics (formerly Invitae), Labcorp).